The following is an entry in ClinVar:

ClinVar aggregate classification (germline): Likely pathogenic. Review status: criteria provided, multiple submitters, no conflicts (2 of 4 stars). 2 submissions from 2 submitters: Likely pathogenic (2). Last evaluated 2023-02-06.

Conditions:
Autosomal recessive limb-girdle muscular dystrophy. Identifiers: Orphanet 102015, MedGen C2931907, MONDO:0015152.

Submissions (2):

Revvity Omics, Revvity
Classification: Likely pathogenic. Last evaluated: 2023-02-06. Review status: criteria provided, single submitter. Criteria: ACMG Guidelines, 2015. Collection method: clinical testing. Allele origin: germline.

Myriad Genetics, Inc.
Classification: Likely pathogenic for Autosomal recessive limb-girdle muscular dystrophy. Last evaluated: 2022-01-15. Review status: criteria provided, single submitter. Criteria: Myriad Autosomal Dominant, Autosomal Recessive and X-Linked Classification Criteria (2023). Collection method: clinical testing. Allele origin: unknown.
Comment: NM_003494.3(DYSF):c.3081G>A(W1027*) is expected to be pathogenic in the context of dysferlinopathy. This variant is predicted to lead to an abnormal or absent protein product due to the creation of a premature termination codon in DYSF, a gene where loss-of-function variants are known to be pathogenic. Please note: this variant was assessed in the context of healthy population screening.

NM_001130987.2(DYSF):c.3135G>A (p.Trp1045Ter)

Gene: DYSF (dysferlin; plus strand). Cytogenetic location: 2p13.2.
Variant type: single nucleotide variant.
Coding change: c.3135G>A on transcript NM_001130987.2 (MANE Select); coding-DNA position 3135, G replaced by A.
Protein change: p.Trp1045Ter; replaces tryptophan 1045 with a stop codon.
Molecular consequence: nonsense.
Genome position (GRCh38, 1-based): chr2:71,570,648, G>A. VCF-style: chr2-71570648-G-A. GRCh37 (hg19) VCF-style: chr2-71797778-G-A.
Other names: c.3084G>A, p.Trp1028Ter (NM_001130455.2, NM_001130983.2); c.3039G>A, p.Trp1013Ter (NM_001130976.2, NM_001130977.2); c.3081G>A, p.Trp1027Ter (NM_001130978.2, NM_003494.4); c.3174G>A, p.Trp1058Ter (NM_001130979.2); c.3132G>A, p.Trp1044Ter (NM_001130980.2, NM_001130981.2); c.3177G>A, p.Trp1059Ter (NM_001130982.2); c.3042G>A, p.Trp1014Ter (NM_001130984.2, NM_001130986.2); c.3135G>A, p.Trp1045Ter (NM_001130985.2); short protein forms W1013*, W1014*, W1027*, W1028*, W1044*, W1045*, W1058*, W1059*.
Identifiers: ClinVar variation 1723951 (VCV001723951.5), dbSNP rs2545823705, ClinGen allele CA347216989.